The following is an entry in ClinVar:

NM_001130144.3(LTBP3):c.126G>T (p.Glu42Asp)

Gene: LTBP3 (latent transforming growth factor beta binding protein 3; minus strand). Cytogenetic location: 11q13.1.
Variant type: single nucleotide variant.
Coding change: c.126G>T on transcript NM_001130144.3 (MANE Select); coding-DNA position 126, G replaced by T.
Protein change: p.Glu42Asp; replaces glutamic acid 42 with aspartic acid.
Molecular consequence: missense variant. On other transcripts: 5 prime UTR variant (1).
Genome position (GRCh38, 1-based): chr11:65,557,834, C>A on the plus strand (G>T on the coding strand, the complement: LTBP3 is on the minus strand). VCF-style: chr11-65557834-C-A. GRCh37 (hg19) VCF-style: chr11-65325305-C-A.
Other names: c.-222G>T (NM_001164266.1); c.126G>T, p.Glu42Asp (NM_021070.4); short protein forms E42D.
Identifiers: ClinVar variation 3233145 (VCV003233145.1), dbSNP rs1303569711, ClinGen allele CA381278527.

ClinVar aggregate classification (germline): Uncertain significance (1 of 4 stars; one submission).

Conditions:
Inborn genetic diseases. Identifiers: MedGen C0950123, MeSH D030342.

Allele frequency attached by ClinVar (database versions not stated): TOPMed 0.00001.
gnomAD v4.1: 7 of 1,422,190 alleles (0.00049%); highest among the groups gnomAD compares: East Asian, 0.015%; no homozygotes.

Submission:

Ambry Genetics
Classification: Uncertain significance for Inborn genetic diseases. Last evaluated: 2024-02-25. Review status: criteria provided, single submitter. Criteria: Ambry Variant Classification Scheme 2023. Collection method: clinical testing. Allele origin: germline.
Comment: The p.E42D variant (also known as c.126G>T), located in coding exon 1 of the LTBP3 gene, results from a G to T substitution at nucleotide position 126. The glutamic acid at codon 42 is replaced by aspartic acid, an amino acid with highly similar properties. This amino acid position is conserved. In addition, this alteration is predicted to be tolerated by in silico analysis. Based on the available evidence, the clinical significance of this alteration remains unclear.